The following is an entry in ClinVar:

ClinVar aggregate classification (germline): Uncertain significance (1 of 4 stars; one submission).

Conditions:
Werner syndrome (WRN). Identifiers: Orphanet 902, MedGen C0043119, MONDO:0010196, OMIM 277700.

Submission:

Labcorp Genetics (formerly Invitae), Labcorp
Classification: Uncertain significance for Werner syndrome. Last evaluated: 2020-07-09. Review status: criteria provided, single submitter. Criteria: Invitae Variant Classification Sherloc (09022015). Collection method: clinical testing. Allele origin: germline.
Comment: Experimental studies and prediction algorithms are not available or were not evaluated, and the functional significance of this variant is currently unknown. This variant has not been reported in the literature in individuals with WRN-related conditions. This variant is not present in population databases (ExAC no frequency). This sequence change results in a premature translational stop signal in the WRN gene (p.Lys1404Aspfs*17). While this is not anticipated to result in nonsense mediated decay, it is expected to disrupt the last 29 amino acids of the WRN protein. In summary, the available evidence is currently insufficient to determine the role of this variant in disease. Therefore, it has been classified as a Variant of Uncertain Significance.

NM_000553.6(WRN):c.4210_4213del (p.Lys1404fs)

Genes: WRN (WRN RecQ like helicase; plus strand), LOC126860342 (MED14-independent group 3 enhancer GRCh37_chr8:31029565-31030764; plus strand). Cytogenetic location: 8p12.
Variant type: Deletion.
Coding change: c.4210_4213del on transcript NM_000553.6 (MANE Select); coding-DNA positions 4210 to 4213, 4 bases deleted (AAGA; older notation c.4210_4213delAAGA).
Protein change: p.Lys1404fs; shifts the reading frame from lysine 1404.
Molecular consequence: frameshift variant.
Genome position (GRCh38, 1-based): chr8:31,173,013-31,173,016, AAGA deleted; deleting any 4 consecutive bases within chr8:31,173,010-31,173,016 gives the same sequence; the c. name uses the placement nearest the transcript's 3' end. VCF-style (leftmost placement, unchanged base first): chr8-31173009-GAGAA-G. GRCh37 (hg19) VCF-style: chr8-31030525-GAGAA-G.
Other names: short protein forms K1404fs.
Identifiers: ClinVar variation 1052996 (VCV001052996.5), dbSNP rs2130530010, ClinGen allele CA2499219278.
Genomic context (GRCh38, chr8:31,173,009, plus strand): 5'-TCAGTAGTACAAAGATTTGATTTCTTTTTCTTTCTATTTCCTACAGACTTCATCTGCAGA[GAGAA>G]AGAGACGATTACCTGTGTGGTTTGCCAAAGGAAGTGATACCAGCAAGAAATTAATGGACA-3'